The following is an entry in ClinVar:

ClinVar aggregate classification (germline): Uncertain significance (1 of 4 stars; one submission).

Submission:

Labcorp Genetics (formerly Invitae), Labcorp
Classification: Uncertain significance. Last evaluated: 2024-01-15. Review status: criteria provided, single submitter. Criteria: Invitae Variant Classification Sherloc (09022015). Collection method: clinical testing. Allele origin: germline.
Comment: This sequence change replaces leucine, which is neutral and non-polar, with phenylalanine, which is neutral and non-polar, at codon 809 of the SCN3A protein (p.Leu809Phe). This variant is not present in population databases (gnomAD no frequency). This variant has not been reported in the literature in individuals affected with SCN3A-related conditions. ClinVar contains an entry for this variant (Variation ID: 1420681). Advanced modeling of protein sequence and biophysical properties (such as structural, functional, and spatial information, amino acid conservation, physicochemical variation, residue mobility, and thermodynamic stability) performed at Invitae indicates that this missense variant is not expected to disrupt SCN3A protein function with a negative predictive value of 95%. In summary, the available evidence is currently insufficient to determine the role of this variant in disease. Therefore, it has been classified as a Variant of Uncertain Significance.

NM_006922.4(SCN3A):c.2425C>T (p.Leu809Phe)

Gene: SCN3A (sodium voltage-gated channel alpha subunit 3; minus strand). Cytogenetic location: 2q24.3.
Variant type: single nucleotide variant.
Coding change: c.2425C>T on transcript NM_006922.4 (MANE Select); coding-DNA position 2425, C replaced by T.
Protein change: p.Leu809Phe; replaces leucine 809 with phenylalanine.
Molecular consequence: missense variant.
Genome position (GRCh38, 1-based): chr2:165,131,384, G>A on the plus strand (C>T on the coding strand, the complement: SCN3A is on the minus strand). VCF-style: chr2-165131384-G-A. GRCh37 (hg19) VCF-style: chr2-165987894-G-A.
Other names: c.2278C>T, p.Leu760Phe (NM_001081676.2, NM_001081677.2); short protein forms L760F, L809F.
Identifiers: ClinVar variation 1420681 (VCV001420681.8), dbSNP rs2105777543, ClinGen allele CA349043416.